The following is an entry in ClinVar:

NM_133433.4(NIPBL):c.7489G>T (p.Val2497Phe)

Gene: NIPBL (NIPBL cohesin loading factor; plus strand). Cytogenetic location: 5p13.2.
Variant type: single nucleotide variant.
Coding change: c.7489G>T on transcript NM_133433.4 (MANE Select); coding-DNA position 7489, G replaced by T.
Protein change: p.Val2497Phe; replaces valine 2497 with phenylalanine.
Molecular consequence: missense variant.
Genome position (GRCh38, 1-based): chr5:37,058,969, G>T. VCF-style: chr5-37058969-G-T. GRCh37 (hg19) VCF-style: chr5-37059071-G-T.
Other names: c.7489G>T, p.Val2497Phe (NM_015384.5); short protein forms V2497F.
Identifiers: ClinVar variation 862209 (VCV000862209.11), dbSNP rs759115050, ClinGen allele CA3237219.

ClinVar aggregate classification (germline): Uncertain significance. Review status: criteria provided, multiple submitters, no conflicts (2 of 4 stars). 3 submissions from 3 submitters: Uncertain significance (3). Last evaluated 2025-11-19.

Conditions:
Inborn genetic diseases. Identifiers: MedGen C0950123, MeSH D030342.
Cornelia de Lange syndrome 1 (CDLS1). Also called: TYPUS DEGENERATIVUS AMSTELODAMENSIS; Brachmann de Lange syndrome; NIPBL-Related Cornelia de Lange Syndrome. Identifiers: Orphanet 199, MedGen C4551851, MONDO:0007387, OMIM 122470.

Allele frequency attached by ClinVar (database versions not stated): gnomAD exomes below 0.00001; TOPMed below 0.00001; ExAC 0.00002.
gnomAD v4.1: 3 of 1,614,228 alleles (0.00019%); highest among the groups gnomAD compares: East Asian, 0.0067%; no homozygotes.

Submissions (3):

Ambry Genetics
Classification: Uncertain significance for Inborn genetic diseases. Last evaluated: 2025-11-19. Review status: criteria provided, single submitter. Criteria: Ambry Variant Classification Scheme 2023. Collection method: clinical testing. Allele origin: germline.

Victorian Clinical Genetics Services, Murdoch Childrens Research Institute
Classification: Uncertain significance for Cornelia de Lange syndrome 1. Last evaluated: 2020-05-26. Review status: criteria provided, single submitter. Criteria: ACMG Guidelines, 2015. Collection method: clinical testing. Allele origin: germline. Inheritance: Autosomal dominant inheritance.
Comment: Based on the classification scheme VCGS_Germline_v1.1.1, this variant is classified as 3C-VUS. Following criteria are met: 0102 - Loss-of-function is a known mechanism of disease for this gene. (N) 0107 - This gene is known to be associated with autosomal dominant disease. (N) 0200 - Variant is predicted to result in a missense amino acid change from valine to phenylalanine (exon 44). (N) 0251 - Variant is heterozygous. (N) 0302 - Variant is present in gnomAD <0.001 for a dominant condition (1 heterozygote, 0 homozygotes). (P) 0503 - Missense variant consistently predicted to be tolerated or not conserved in mammals with a minor amino acid change. (B) 0604 - Variant is not located in an established domain, motif, hotspot or informative constraint region. (N) 0705 - No comparable variants have previous evidence for pathogenicity. (N) 0807 - Variant has not previously been reported in a clinical context. (N) 0905 - No segregation evidence has been identified for this variant. (N) 1007 - No published functional evidence has been identified for this variant. (N) 1208 - Inheritance information for this variant is not currently available. (N) Legend: (P) - Pathogenic, (N) - Neutral, (B) - Benign

Labcorp Genetics (formerly Invitae), Labcorp
Classification: Uncertain significance for Cornelia de Lange syndrome 1. Last evaluated: 2019-12-03. Review status: criteria provided, single submitter. Criteria: Invitae Variant Classification Sherloc (09022015). Collection method: clinical testing. Allele origin: germline.
Comment: In summary, the available evidence is currently insufficient to determine the role of this variant in disease. Therefore, it has been classified as a Variant of Uncertain Significance. Algorithms developed to predict the effect of missense changes on protein structure and function are either unavailable or do not agree on the potential impact of this missense change (SIFT: "Deleterious"; PolyPhen-2: "Benign"; Align-GVGD: "Class C0"). This variant has not been reported in the literature in individuals with NIPBL-related conditions. This variant is present in population databases (rs759115050, ExAC 0.02%). This sequence change replaces valine with phenylalanine at codon 2497 of the NIPBL protein (p.Val2497Phe). The valine residue is highly conserved and there is a small physicochemical difference between valine and phenylalanine.